The following is an entry in ClinVar:

NM_001330260.2(SCN8A):c.5603A>C (p.Gln1868Pro)

Gene: SCN8A (sodium voltage-gated channel alpha subunit 8; plus strand). Cytogenetic location: 12q13.13.
Variant type: single nucleotide variant.
Coding change: c.5603A>C on transcript NM_001330260.2 (MANE Select); coding-DNA position 5603, A replaced by C.
Protein change: p.Gln1868Pro; replaces glutamine 1868 with proline.
Molecular consequence: missense variant.
Genome position (GRCh38, 1-based): chr12:51,807,089, A>C. VCF-style: chr12-51807089-A-C. GRCh37 (hg19) VCF-style: chr12-52200873-A-C.
Other names: c.5480A>C, p.Gln1827Pro (NM_001177984.3, NM_001369788.1); c.5603A>C, p.Gln1868Pro (NM_014191.4); short protein forms Q1827P, Q1868P.
Identifiers: ClinVar variation 2123352 (VCV002123352.4), dbSNP rs2540335680, ClinGen allele CA384887941.

ClinVar aggregate classification (germline): Uncertain significance (1 of 4 stars; one submission).

Conditions:
Early-infantile DEE. Also called: Early infantile epileptic encephalopathy; Ohtahara syndrome; Early infantile epileptic encephalopathy with suppression bursts. Identifiers: Orphanet 1934, MedGen C0393706, MONDO:0800491.

Submission:

Labcorp Genetics (formerly Invitae), Labcorp
Classification: Uncertain significance for Early-infantile DEE. Last evaluated: 2023-12-22. Review status: criteria provided, single submitter. Criteria: Invitae Variant Classification Sherloc (09022015). Collection method: clinical testing. Allele origin: germline.
Comment: This sequence change replaces glutamine, which is neutral and polar, with proline, which is neutral and non-polar, at codon 1868 of the SCN8A protein (p.Gln1868Pro). This variant is not present in population databases (gnomAD no frequency). This variant has not been reported in the literature in individuals affected with SCN8A-related conditions. ClinVar contains an entry for this variant (Variation ID: 2123352). Advanced modeling of protein sequence and biophysical properties (such as structural, functional, and spatial information, amino acid conservation, physicochemical variation, residue mobility, and thermodynamic stability) performed at Invitae indicates that this missense variant is not expected to disrupt SCN8A protein function with a negative predictive value of 95%. In summary, the available evidence is currently insufficient to determine the role of this variant in disease. Therefore, it has been classified as a Variant of Uncertain Significance.